The following is an entry in ClinVar:

ClinVar aggregate classification (germline): Uncertain significance (1 of 4 stars; one submission).

Conditions:
POLD1-related polyposis and colorectal cancer syndrome (CRCS10). Also called: COLORECTAL CANCER, SUSCEPTIBILITY TO, ON CHROMOSOME 19q; Colorectal cancer 10; Colorectal cancer, susceptibility to, 10. Identifiers: Orphanet 220460, MedGen C2675481, MONDO:0012953, OMIM 612591.

Submission:

Labcorp Genetics (formerly Invitae), Labcorp
Classification: Uncertain significance for POLD1-related polyposis and colorectal cancer syndrome. Last evaluated: 2025-02-06. Review status: criteria provided, single submitter. Criteria: Invitae Variant Classification Sherloc (09022015). Collection method: clinical testing. Allele origin: germline.
Comment: This variant results in the deletion of part of exon 27 (c.3298_*375del) of the POLD1 gene. Missense variants that disrupt the 3'-5' exonuclease (proof-reading) activity of the POLD1 protein are associated with PPAP (polymerase proofreading–associated polyposis) (PMID: 23263490, 23447401). However, loss-of-function variants that result in an absent or severely disrupted POLD1 protein, and missense variants outside the exonuclease domain, are unlikely to be associated with PPAP. This variant is not present in population databases (gnomAD no frequency). This variant has not been reported in the literature in individuals affected with POLD1-related conditions. Experimental studies and prediction algorithms are not available or were not evaluated, and the functional significance of this variant is currently unknown. In summary, the available evidence is currently insufficient to determine the role of this variant in disease. Therefore, it has been classified as a Variant of Uncertain Significance.

Literature cited by the submitters: PubMed 23263490; PubMed 23447401.

NC_000019.10:g.50417921_50418322del

Gene: POLD1 (DNA polymerase delta 1, catalytic subunit; plus strand). Cytogenetic location: 19q13.33.
Variant type: Deletion.
Genome position: GRCh38: chr19:50,417,921-50,418,322. GRCh37 (hg19): chr19:50,921,178-50,921,579.
Identifiers: ClinVar variation 4712548 (VCV004712548.1).